The following is an entry in ClinVar:

ClinVar aggregate classification (germline): Uncertain significance (1 of 4 stars; one submission).

Submission:

GeneDx
Classification: Uncertain significance. Last evaluated: 2026-04-15. Review status: criteria provided, single submitter. Criteria: GeneDx Variant Classification Process June 2021. Collection method: clinical testing. Allele origin: germline.
Comment: Not observed at significant frequency in large population cohorts (gnomAD); In silico analysis supports a deleterious effect on protein structure/function; Has not been previously published as pathogenic or benign to our knowledge

NM_031263.4(HNRNPK):c.664_665delinsTT (p.Ala222Leu)

Genes: HNRNPK (heterogeneous nuclear ribonucleoprotein K; minus strand), HNRNPK-AS1 (HNRNPK antisense RNA 1; plus strand). Cytogenetic location: 9q21.32.
Variant type: Indel.
Coding change: c.664_665delinsTT on transcript NM_031263.4 (MANE Select); coding-DNA positions 664 to 665, GC replaced by TT.
Protein change: p.Ala222Leu; replaces alanine 222 with leucine.
Molecular consequence: missense variant. On other transcripts: non-coding transcript variant (1).
Genome position (GRCh38, 1-based): chr9:83,972,170-83,972,171, GC replaced by AA on the plus strand (GC replaced by TT on the coding strand, the reverse complement: HNRNPK is on the minus strand). VCF-style: chr9-83972170-GC-AA. GRCh37 (hg19) VCF-style: chr9-86587085-GC-AA.
Other names: c.592_593delinsTT, p.Ala198Leu (NM_001318186.2, NM_001318187.2); c.664_665delinsTT, p.Ala222Leu (NM_001318188.2, NM_002140.5, NM_031262.4); short protein forms A198L, A222L.
Identifiers: ClinVar variation 5037068 (VCV005037068.1).